The following is an entry in ClinVar:

NM_000334.4(SCN4A):c.56C>T (p.Pro19Leu)

Gene: SCN4A (sodium voltage-gated channel alpha subunit 4; minus strand). Cytogenetic location: 17q23.3.
Variant type: single nucleotide variant.
Coding change: c.56C>T on transcript NM_000334.4 (MANE Select); coding-DNA position 56, C replaced by T.
Protein change: p.Pro19Leu; replaces proline 19 with leucine.
Molecular consequence: missense variant.
Genome position (GRCh38, 1-based): chr17:63,972,786, G>A on the plus strand (C>T on the coding strand, the complement: SCN4A is on the minus strand). VCF-style: chr17-63972786-G-A. GRCh37 (hg19) VCF-style: chr17-62050146-G-A.
Other names: short protein forms P19L.
Identifiers: ClinVar variation 1683240 (VCV001683240.3), dbSNP rs745506979, ClinGen allele CA8710296.

ClinVar aggregate classification (germline): Uncertain significance. Review status: criteria provided, multiple submitters, no conflicts (2 of 4 stars). 3 submissions from 3 submitters: Uncertain significance (3). Last evaluated 2026-01-08.

Conditions:
Inborn genetic diseases. Identifiers: MedGen C0950123, MeSH D030342.
Hyperkalemic periodic paralysis. Also called: Familial hyperkalemic periodic paralysis; Gamstorp disease. Identifiers: Orphanet 682, MedGen C0238357, MONDO:0008224, OMIM 170500, HP:0007215.

Allele frequency attached by ClinVar (database versions not stated): gnomAD exomes below 0.00001; TOPMed below 0.00001; ExAC 0.00001; gnomAD 0.00002.

Submissions (3):

Labcorp Genetics (formerly Invitae), Labcorp
Classification: Uncertain significance for Hyperkalemic periodic paralysis. Last evaluated: 2026-01-08. Review status: criteria provided, single submitter. Criteria: Invitae Variant Classification Sherloc (09022015). Collection method: clinical testing. Allele origin: germline.
Comment: This sequence change replaces proline, which is neutral and non-polar, with leucine, which is neutral and non-polar, at codon 19 of the SCN4A protein (p.Pro19Leu). This variant is present in population databases (rs745506979, gnomAD 0.007%). This variant has not been reported in the literature in individuals affected with SCN4A-related conditions. ClinVar contains an entry for this variant (Variation ID: 1683240). Invitae Evidence Modeling of protein sequence and biophysical properties (such as structural, functional, and spatial information, amino acid conservation, physicochemical variation, residue mobility, and thermodynamic stability) indicates that this missense variant is not expected to disrupt SCN4A protein function with a negative predictive value of 95%. In summary, the available evidence is currently insufficient to determine the role of this variant in disease. Therefore, it has been classified as a Variant of Uncertain Significance.

Ambry Genetics
Classification: Uncertain significance for Inborn genetic diseases. Last evaluated: 2025-10-28. Review status: criteria provided, single submitter. Criteria: Ambry Variant Classification Scheme 2023. Collection method: clinical testing. Allele origin: germline.

Women's Health and Genetics/Laboratory Corporation of America, LabCorp
Classification: Uncertain significance. Last evaluated: 2022-04-18. Review status: criteria provided, single submitter. Criteria: LabCorp Variant Classification Summary - May 2015. Collection method: clinical testing. Allele origin: germline.
Comment: Variant summary: SCN4A c.56C>T (p.Pro19Leu) results in a non-conservative amino acid change in the encoded protein sequence. Three of five in-silico tools predict a damaging effect of the variant on protein function. The variant allele was found at a frequency of 4e-06 in 247860 control chromosomes (gnomAD). The available data on variant occurrences in the general population are insufficient to allow any conclusion about variant significance. To our knowledge, no occurrence of c.56C>T in individuals affected with Acetazolamide-Responsive Myotonia and no experimental evidence demonstrating its impact on protein function have been reported. No clinical diagnostic laboratories have submitted clinical-significance assessments for this variant to ClinVar after 2014. Based on the evidence outlined above, the variant was classified as uncertain significance.